The following is an entry in ClinVar:

ClinVar aggregate classification (germline): Pathogenic (1 of 4 stars; one submission).

Conditions:
Arrhythmogenic right ventricular dysplasia 11. Also called: ARRHYTHMOGENIC RIGHT VENTRICULAR DYSPLASIA, FAMILIAL, 11; Arrhythmogenic Right Ventricular Dysplasia/Cardiomyopathy11; Arrhythmogenic right ventricular dysplasia 11 with mild palmoplantar keratoderma and woolly hair. Identifiers: MedGen C1864850, MONDO:0012506, OMIM 610476.

Submission:

Labcorp Genetics (formerly Invitae), Labcorp
Classification: Pathogenic for Arrhythmogenic right ventricular dysplasia 11. Last evaluated: 2023-05-21. Review status: criteria provided, single submitter. Criteria: Invitae Variant Classification Sherloc (09022015). Collection method: clinical testing. Allele origin: germline.
Comment: For these reasons, this variant has been classified as Pathogenic. This variant has not been reported in the literature in individuals affected with DSC2-related conditions. This variant is not present in population databases (gnomAD no frequency). This sequence change creates a premature translational stop signal (p.Cys769*) in the DSC2 gene. It is expected to result in an absent or disrupted protein product. Loss-of-function variants in DSC2 are known to be pathogenic (PMID: 23911551).

Literature cited by the submitters: PubMed 23911551.

NM_024422.6(DSC2):c.2307T>A (p.Cys769Ter)

Gene: DSC2 (desmocollin 2; minus strand). Cytogenetic location: 18q12.1.
Variant type: single nucleotide variant.
Coding change: c.2307T>A on transcript NM_024422.6 (MANE Select); coding-DNA position 2307, T replaced by A.
Protein change: p.Cys769Ter; replaces cysteine 769 with a stop codon.
Molecular consequence: nonsense.
Genome position (GRCh38, 1-based): chr18:31,069,095, A>T on the plus strand (T>A on the coding strand, the complement: DSC2 is on the minus strand). VCF-style: chr18-31069095-A-T. GRCh37 (hg19) VCF-style: chr18-28649061-A-T.
Other names: c.1878T>A, p.Cys626Ter (NM_001406506.1, NM_001406507.1); c.2307T>A, p.Cys769Ter (NM_004949.5); short protein forms C626*, C769*.
Identifiers: ClinVar variation 2866650 (VCV002866650.3), dbSNP rs2510938096, ClinGen allele CA402111935.